The following is an entry in ClinVar:

ClinVar aggregate classification (germline): Conflicting classifications of pathogenicity. Review status: criteria provided, conflicting classifications (1 of 4 stars). 6 submissions from 6 submitters: Uncertain significance (4); Likely benign (2). Last evaluated 2025-11-18.

Conditions:
Familial thoracic aortic aneurysm and aortic dissection (TAAD). Also called: Thoracic aortic aneurysms and dissections. Identifiers: Orphanet 91387, MedGen C4707243, MONDO:0019625.
Congenital contractural arachnodactyly (CCA). Also called: Beals-Hecht syndrome; BEALS SYNDROME; Arthrogryposis, distal, type 9. Identifiers: Orphanet 115, MedGen C0220668, MONDO:0007363, OMIM 121050.

Allele frequency attached by ClinVar (database versions not stated): ExAC 0.00003; gnomAD exomes 0.00004; gnomAD 0.00005 and 0.00006; TOPMed 0.00006; ESP Exome Variant Server 0.00008.
gnomAD v4.1: 63 of 1,614,016 alleles (0.0039%); highest among the groups gnomAD compares: African/African-American, 0.0053%; no homozygotes.

Submissions (6):

Labcorp Genetics (formerly Invitae), Labcorp
Classification: Likely benign for Congenital contractural arachnodactyly. Last evaluated: 2025-11-18. Review status: criteria provided, single submitter. Criteria: Invitae Variant Classification Sherloc (09022015). Collection method: clinical testing. Allele origin: germline.

Ambry Genetics
Classification: Uncertain significance for Familial thoracic aortic aneurysm and aortic dissection. Last evaluated: 2025-07-28. Review status: criteria provided, single submitter. Criteria: Ambry Variant Classification Scheme 2023. Collection method: clinical testing. Allele origin: germline.
Comment: The p.V2696M variant (also known as c.8086G>A), located in coding exon 63 of the FBN2 gene, results from a G to A substitution at nucleotide position 8086. The valine at codon 2696 is replaced by methionine, an amino acid with highly similar properties. This amino acid position is well conserved in available vertebrate species. In addition, the in silico prediction for this alteration is inconclusive. Since supporting evidence is limited at this time, the clinical significance of this alteration remains unclear.

GeneDx
Classification: Uncertain significance. Last evaluated: 2025-05-14. Review status: criteria provided, single submitter. Criteria: GeneDx Variant Classification Process June 2021. Collection method: clinical testing. Allele origin: germline. Affected: yes.
Comment: In silico analysis suggests that this missense variant does not alter protein structure/function; Has not been previously published as pathogenic or benign to our knowledge; This variant is associated with the following publications: (PMID: 19006240, 18767143)

Mayo Clinic Laboratories, Mayo Clinic
Classification: Uncertain significance. Last evaluated: 2023-11-10. Review status: criteria provided, single submitter. Criteria: ACMG Guidelines, 2015. Collection method: clinical testing. Allele origin: germline. Observed: 1 variant allele.
Comment: BS1

Women's Health and Genetics/Laboratory Corporation of America, LabCorp
Classification: Likely benign. Last evaluated: 2023-10-19. Review status: criteria provided, single submitter. Criteria: LabCorp Variant Classification Summary - May 2015. Collection method: clinical testing. Allele origin: germline.

ARUP Laboratories, Molecular Genetics and Genomics, ARUP Laboratories
Classification: Uncertain significance. Last evaluated: 2021-09-30. Review status: criteria provided, single submitter. Criteria: ARUP Molecular Germline Variant Investigation Process 2021. Collection method: clinical testing. Allele origin: germline.
Comment: The FBN2 c.8086G>A; p.Val2696Met variant (rs373994051), to our knowledge, is not reported in the medical literature but is reported in ClinVar (Variation ID: 213428). This variant is found in the general population with an overall allele frequency of 0.004% (11/282,684 alleles) in the Genome Aggregation Database. The valine at codon 2696 is moderately conserved, but computational analyses are uncertain whether this variant is neutral or deleterious (REVEL: 0.663). Due to limited information, the clinical significance of the p.Val2696Met variant is uncertain at this time.

NM_001999.4(FBN2):c.8086G>A (p.Val2696Met)

Gene: FBN2 (fibrillin 2; minus strand). Cytogenetic location: 5q23.3.
Variant type: single nucleotide variant.
Coding change: c.8086G>A on transcript NM_001999.4 (MANE Select); coding-DNA position 8086, G replaced by A.
Protein change: p.Val2696Met; replaces valine 2696 with methionine.
Molecular consequence: missense variant.
Genome position (GRCh38, 1-based): chr5:128,263,531, C>T on the plus strand (G>A on the coding strand, the complement: FBN2 is on the minus strand). VCF-style: chr5-128263531-C-T. GRCh37 (hg19) VCF-style: chr5-127599223-C-T.
Other names: p.Val2696Met; short protein forms V2696M.
Identifiers: ClinVar variation 213428 (VCV000213428.26), dbSNP rs373994051, ClinGen allele CA321180.
Genomic context (GRCh38, chr5:128,263,531, plus strand): 5'-CCCCCTCCGTGTTAGAGCAGCCGTAATTGCAGGGGTTCTTGGAGGACGAGCACTCATTCA[C>T]GTCGTGGCAGGCACTGGAGAACTGGTCGAAGGAGAACCCCGAGGGGCAGGCGCACTTGTA-3'
Protein context (NP_001990.2, residues 2686-2706): FDQFSSACHD[Val2696Met]NECSSSKNPC